The following is an entry in ClinVar:

NM_000531.6(OTC):c.717G>A (p.Glu239=)

Gene: OTC (ornithine transcarbamylase; plus strand). Cytogenetic location: Xp11.4.
Variant type: single nucleotide variant.
Coding change: c.717G>A on transcript NM_000531.6 (MANE Select); coding-DNA position 717, G replaced by A.
Protein change: p.Glu239=; no amino-acid change (glutamic acid 239 retained).
Molecular consequence: synonymous variant.
Genome position (GRCh38, 1-based): chrX:38,408,795, G>A. VCF-style: chrX-38408795-G-A. GRCh37 (hg19) VCF-style: chrX-38268048-G-A.
Identifiers: ClinVar variation 97301 (VCV000097301.10), dbSNP rs66851495, ClinGen allele CA224757.
Genomic context (GRCh38, chrX:38,408,795, plus strand): 5'-CCTTTAGGGTTATGAGCCGGATGCTAGTGTAACCAAGTTGGCAGAGCAGTATGCCAAAGA[G>A]GTATGCTCTTTACATGTAAAGCTATTATTGCCTTTTACTGTCCCATGAAGTTATTTAACC-3'
Protein context (NP_000522.3, residues 229-249): VTKLAEQYAK[Glu239=]NGTKLLLTND

ClinVar aggregate classification (germline): Likely pathogenic. Review status: criteria provided, multiple submitters, no conflicts (2 of 4 stars). 3 submissions from 3 submitters: Likely pathogenic (2). 1 of the submissions does not count toward it. Last evaluated 2024-10-17.

Conditions:
Ornithine carbamoyltransferase deficiency (OTCD). Also called: ORNITHINE TRANSCARBAMYLASE DEFICIENCY, HYPERAMMONEMIA DUE TO; ORNITHINE TRANSCARBAMYLASE DEFICIENCY; OTC DEFICIENCY; Ornithine Carbamoyltransferase Deficiency Disease. Identifiers: Orphanet 664, MedGen C0268542, MONDO:0010703, OMIM 311250.

Submissions (3):

Labcorp Genetics (formerly Invitae), Labcorp
Classification: Likely pathogenic for Ornithine carbamoyltransferase deficiency. Last evaluated: 2024-10-17. Review status: criteria provided, single submitter. Criteria: Invitae Variant Classification Sherloc (09022015). Collection method: clinical testing. Allele origin: germline.
Comment: This sequence change affects codon 239 of the OTC mRNA. It is a 'silent' change, meaning that it does not change the encoded amino acid sequence of the OTC protein. This variant also falls at the last nucleotide of exon 7, which is part of the consensus splice site for this exon. This variant is not present in population databases (gnomAD no frequency). This variant has been observed in individuals with clinical features of ornithine transcarbamylase deficiency (PMID: 9266388, 33369132; internal data). ClinVar contains an entry for this variant (Variation ID: 97301). Variants that disrupt the consensus splice site are a relatively common cause of aberrant splicing (PMID: 17576681, 9536098). Algorithms developed to predict the effect of sequence changes on RNA splicing suggest that this variant may disrupt the consensus splice site. In summary, the currently available evidence indicates that the variant is pathogenic, but additional data are needed to prove that conclusively. Therefore, this variant has been classified as Likely Pathogenic.

Revvity Omics, Revvity
Classification: Likely pathogenic for Ornithine carbamoyltransferase deficiency. Last evaluated: 2024-03-16. Review status: criteria provided, single submitter. Criteria: ACMG Guidelines, 2015. Collection method: clinical testing. Allele origin: germline.

GenMed Metabolism Lab
Classification: Pathogenic. Review status: no assertion criteria provided. Collection method: not provided. Allele origin: unknown. Not counted in ClinVar's aggregate classification.
ClinVar note: Converted during submission from pathogenic to Pathogenic.

Literature cited by the submitters: PubMed 9266388 (cited by Labcorp Genetics (formerly Invitae), Labcorp); PubMed 33369132 (cited by Labcorp Genetics (formerly Invitae), Labcorp); PubMed 17576681 (cited by Labcorp Genetics (formerly Invitae), Labcorp); PubMed 9536098 (cited by Labcorp Genetics (formerly Invitae), Labcorp).